The following is an entry in ClinVar:

NM_001378328.1(CELSR1):c.1036A>T (p.Thr346Ser)

Gene: CELSR1 (cadherin EGF LAG seven-pass G-type receptor 1; minus strand). Cytogenetic location: 22q13.31.
Variant type: single nucleotide variant.
Coding change: c.1036A>T on transcript NM_001378328.1 (MANE Select); coding-DNA position 1036, A replaced by T.
Protein change: p.Thr346Ser; replaces threonine 346 with serine.
Molecular consequence: missense variant.
Genome position (GRCh38, 1-based): chr22:46,536,135, T>A on the plus strand (A>T on the coding strand, the complement: CELSR1 is on the minus strand). VCF-style: chr22-46536135-T-A. GRCh37 (hg19) VCF-style: chr22-46932032-T-A.
Other names: c.1036A>T (NM_014246.1); c.1036A>T, p.Thr346Ser (NM_014246.4); short protein forms T346S.
Identifiers: ClinVar variation 1695050 (VCV001695050.32), dbSNP rs142090496, ClinGen allele CA10295575.

ClinVar aggregate classification (germline): Benign. Review status: criteria provided, single submitter (1 of 4 stars). 2 submissions from 2 submitters: Benign (1). 1 of the submissions does not count toward it. Last evaluated 2026-06-01.

Conditions:
CELSR1-related disorder. Also called: CELSR1-related condition.

Allele frequency attached by ClinVar (database versions not stated): 1000 Genomes Project 30x 0.00078; 1000 Genomes Project 0.00080; ExAC 0.00110; gnomAD exomes 0.00125 and 0.00201; TOPMed 0.00136; gnomAD 0.00146 and 0.00148; ESP Exome Variant Server 0.00192.
gnomAD v4.1: 3,137 of 1,612,926 alleles (0.19%); highest among the groups gnomAD compares: Non-Finnish European, 0.24%; 4 homozygotes.

Submissions (2):

CeGaT Center for Human Genetics Tuebingen
Classification: Benign. Last evaluated: 2026-06-01. Review status: criteria provided, single submitter. Criteria: CeGaT Center For Human Genetics Tuebingen Variant Classification Criteria Version 2. Collection method: clinical testing. Allele origin: germline. Affected: yes. Observed: 4 variant alleles.
Comment: CELSR1: BS1, BS2

PreventionGenetics, part of Exact Sciences
Classification: Likely benign for CELSR1-related condition. Last evaluated: 2023-07-24. Review status: no assertion criteria provided. Collection method: clinical testing. Allele origin: germline. Not counted in ClinVar's aggregate classification.
Comment: This variant is classified as likely benign based on ACMG/AMP sequence variant interpretation guidelines (Richards et al. 2015 PMID: 25741868, with internal and published modifications).